The following is an entry in ClinVar:

NM_003079.5(SMARCE1):c.409C>T (p.Pro137Ser)

Gene: SMARCE1 (SWI/SNF related BAF chromatin remodeling complex subunit E1; minus strand). Cytogenetic location: 17q21.2.
Variant type: single nucleotide variant.
Coding change: c.409C>T on transcript NM_003079.5 (MANE Select); coding-DNA position 409, C replaced by T.
Protein change: p.Pro137Ser; replaces proline 137 with serine.
Molecular consequence: missense variant.
Genome position (GRCh38, 1-based): chr17:40,636,063, G>A on the plus strand (C>T on the coding strand, the complement: SMARCE1 is on the minus strand). VCF-style: chr17-40636063-G-A. GRCh37 (hg19) VCF-style: chr17-38792315-G-A.
Other names: short protein forms P137S.
Identifiers: ClinVar variation 1374549 (VCV001374549.8), dbSNP rs2143996465, ClinGen allele CA399366654.

ClinVar aggregate classification (germline): Uncertain significance. Review status: criteria provided, multiple submitters, no conflicts (2 of 4 stars). 2 submissions from 2 submitters: Uncertain significance (2). Last evaluated 2022-02-15.

Conditions:
Hereditary cancer-predisposing syndrome. Also called: Neoplastic Syndromes, Hereditary; Hereditary Cancer Syndrome; Tumor predisposition; Hereditary neoplastic syndrome. Identifiers: Orphanet 140162, MedGen C0027672, MeSH D009386, MONDO:0015356.
Familial meningioma. Also called: Meningioma, familial, susceptibility to. Identifiers: Orphanet 263662, MedGen C3551915, MONDO:0011789, OMIM 607174.

Submissions (2):

Ambry Genetics
Classification: Uncertain significance for Hereditary cancer-predisposing syndrome. Last evaluated: 2022-02-15. Review status: criteria provided, single submitter. Criteria: Ambry Variant Classification Scheme 2023. Collection method: clinical testing. Allele origin: germline.
Comment: The p.P137S variant (also known as c.409C>T), located in coding exon 6 of the SMARCE1 gene, results from a C to T substitution at nucleotide position 409. The proline at codon 137 is replaced by serine, an amino acid with similar properties. This amino acid position is highly conserved in available vertebrate species. In addition, this alteration is predicted to be deleterious by in silico analysis. Missense and in-frame variants in SMARCE1 are known to cause neurodevelopmental disorders; however, such associations with increased risk of meningiomas are exceedingly rare (Kosho T et al. Am J Med Genet C Semin Med Genet. 2014 Sep;166C(3):262-75; Smith JM et al. Nat Genet. 2013 Mar;45(3):295-8). Since supporting evidence is limited at this time, the clinical significance of this alteration remains unclear.

Labcorp Genetics (formerly Invitae), Labcorp
Classification: Uncertain significance for Familial meningioma. Last evaluated: 2022-01-28. Review status: criteria provided, single submitter. Criteria: Invitae Variant Classification Sherloc (09022015). Collection method: clinical testing. Allele origin: germline.
Comment: This sequence change replaces proline, which is neutral and non-polar, with serine, which is neutral and polar, at codon 137 of the SMARCE1 protein (p.Pro137Ser). This variant is not present in population databases (gnomAD no frequency). This variant has not been reported in the literature in individuals affected with SMARCE1-related conditions. Algorithms developed to predict the effect of missense changes on protein structure and function are either unavailable or do not agree on the potential impact of this missense change (SIFT: "Tolerated"; PolyPhen-2: "Possibly Damaging"; Align-GVGD: "Class C0"). In summary, the available evidence is currently insufficient to determine the role of this variant in disease. Therefore, it has been classified as a Variant of Uncertain Significance.